The following is an entry in ClinVar:

NM_012418.4(FSCN2):c.1327G>A (p.Gly443Ser)

Gene: FSCN2 (fascin actin-bundling protein 2, retinal; plus strand). Cytogenetic location: 17q25.3.
Variant type: single nucleotide variant.
Coding change: c.1327G>A on transcript NM_012418.4 (MANE Select); coding-DNA position 1327, G replaced by A.
Protein change: p.Gly443Ser; replaces glycine 443 with serine.
Molecular consequence: missense variant.
Genome position (GRCh38, 1-based): chr17:81,536,928, G>A. VCF-style: chr17-81536928-G-A. GRCh37 (hg19) VCF-style: chr17-79503954-G-A.
Other names: c.1399G>A (NM_001077182.2); c.1399G>A, p.Gly467Ser (NM_001077182.3); short protein forms G443S, G467S.
Identifiers: ClinVar variation 2135896 (VCV002135896.6), dbSNP rs748653999, ClinGen allele CA8837113.

ClinVar aggregate classification (germline): Uncertain significance. Review status: criteria provided, multiple submitters, no conflicts (2 of 4 stars). 2 submissions from 2 submitters: Uncertain significance (2). Last evaluated 2023-07-05.

Allele frequency attached by ClinVar (database versions not stated): gnomAD exomes below 0.00001; ExAC 0.00005.

Submissions (2):

Ambry Genetics
Classification: Uncertain significance. Last evaluated: 2023-07-05. Review status: criteria provided, single submitter. Criteria: Ambry Variant Classification Scheme 2023. Collection method: clinical testing. Allele origin: germline.

Labcorp Genetics (formerly Invitae), Labcorp
Classification: Uncertain significance. Last evaluated: 2022-05-17. Review status: criteria provided, single submitter. Criteria: Invitae Variant Classification Sherloc (09022015). Collection method: clinical testing. Allele origin: germline.
Comment: This sequence change replaces glycine, which is neutral and non-polar, with serine, which is neutral and polar, at codon 467 of the FSCN2 protein (p.Gly467Ser). The frequency data for this variant in the population databases is considered unreliable, as metrics indicate poor data quality at this position in the gnomAD database. This variant has not been reported in the literature in individuals affected with FSCN2-related conditions. Algorithms developed to predict the effect of missense changes on protein structure and function are either unavailable or do not agree on the potential impact of this missense change (SIFT: "Tolerated"; PolyPhen-2: "Probably Damaging"; Align-GVGD: "Class C0"). In summary, the available evidence is currently insufficient to determine the role of this variant in disease. Therefore, it has been classified as a Variant of Uncertain Significance.